The following is an entry in ClinVar:

ClinVar aggregate classification (germline): Uncertain significance (1 of 4 stars; one submission).

gnomAD v4.1: 26 of 1,614,058 alleles (0.0016%); highest among the groups gnomAD compares: Admixed American, 0.0033%; no homozygotes.

Submissions (2):

Labcorp Genetics (formerly Invitae), Labcorp
Classification: Uncertain significance. Last evaluated: 2024-11-29. Review status: criteria provided, single submitter. Criteria: Invitae Variant Classification Sherloc (09022015). Collection method: clinical testing. Allele origin: germline.
Comment: This sequence change replaces glycine, which is neutral and non-polar, with serine, which is neutral and polar, at codon 223 of the ADCY1 protein (p.Gly223Ser). This variant is present in population databases (rs760996289, gnomAD 0.006%). This variant has not been reported in the literature in individuals affected with ADCY1-related conditions. Invitae Evidence Modeling of protein sequence and biophysical properties (such as structural, functional, and spatial information, amino acid conservation, physicochemical variation, residue mobility, and thermodynamic stability) indicates that this missense variant is not expected to disrupt ADCY1 protein function with a negative predictive value of 80%. In summary, the available evidence is currently insufficient to determine the role of this variant in disease. Therefore, it has been classified as a Variant of Uncertain Significance.

Dr. Peter K. Rogan Lab, Western University
No classification provided (evidence only). Condition: Cervical cancer. Review status: no classification provided. Collection method: in vitro. Allele origin: not applicable. Functional consequence: retained intron. Not counted in ClinVar's aggregate classification.

NM_021116.4(ADCY1):c.667G>A (p.Gly223Ser)

Gene: ADCY1 (adenylate cyclase 1; plus strand). Cytogenetic location: 7p12.3.
Variant type: single nucleotide variant.
Coding change: c.667G>A on transcript NM_021116.4 (MANE Select); coding-DNA position 667, G replaced by A.
Protein change: p.Gly223Ser; replaces glycine 223 with serine.
Molecular consequence: missense variant. On other transcripts: 5 prime UTR variant (1).
Genome position (GRCh38, 1-based): chr7:45,592,786, G>A. VCF-style: chr7-45592786-G-A. GRCh37 (hg19) VCF-style: chr7-45632385-G-A.
Other names: c.-9G>A (NM_001281768.2); short protein forms G223S.
Identifiers: ClinVar variation 3697863 (VCV003697863.3).
Genomic context (GRCh38, chr7:45,592,786, plus strand): 5'-GGCTCCACATGTTGCCTCCTTCTCTCCCTGCAGCTCGGTGCCAATGCCTTGCTCTTCGTC[G>A]GTGTGAACATGTATGGGGTCTTTGTGCGGATTCTGACTGAGCGTTCACAGAGGAAGGCGT-3'
Protein context (NP_066939.1, residues 213-233): TLGANALLFV[Gly223Ser]VNMYGVFVRI